The following is an entry in ClinVar:

NM_004329.3(BMPR1A):c.231-10del

Gene: BMPR1A (bone morphogenetic protein receptor type 1A; plus strand). Cytogenetic location: 10q23.2.
Variant type: Deletion.
Coding change: c.231-10del on transcript NM_004329.3 (MANE Select); 10 bases into the intron before coding-DNA position 231, one base deleted (T; older notation c.231-10delT).
Molecular consequence: intron variant.
Genome position (GRCh38, 1-based): chr10:86,892,117, T deleted; the last of 7 consecutive T bases (chr10:86,892,111-86,892,117); deleting any one gives the same sequence. VCF-style (leftmost placement, unchanged base first): chr10-86892110-GT-G. GRCh37 (hg19) VCF-style: chr10-88651867-GT-G.
Other names: c.231-10del (NM_001406562.1, NM_001406568.1, NM_001406567.1 and 23 more transcripts); c.147-10del (NM_001406584.1, NM_001406588.1, NM_001406587.1 and 2 more transcripts).
Identifiers: ClinVar variation 2810864 (VCV002810864.4), dbSNP rs747206781, ClinGen allele CA2722335793.

ClinVar aggregate classification (germline): Benign/Likely benign. Review status: criteria provided, multiple submitters, no conflicts (2 of 4 stars). 2 submissions from 2 submitters: Benign (1); Likely benign (1). Last evaluated 2024-07-31.

Conditions:
Juvenile polyposis syndrome (JPS). Identifiers: Orphanet 2929, MedGen C0345893, MONDO:0017380, OMIM 174900.

Submissions (2):

Myriad Genetics, Inc.
Classification: Likely benign for Juvenile polyposis syndrome. Last evaluated: 2024-07-31. Review status: criteria provided, single submitter. Criteria: Myriad Autosomal Dominant, Autosomal Recessive and X-Linked Classification Criteria (2023). Collection method: clinical testing. Allele origin: unknown.
Comment: This variant is considered likely benign. This variant is intronic and is not expected to impact mRNA splicing.

Labcorp Genetics (formerly Invitae), Labcorp
Classification: Benign for Juvenile polyposis syndrome. Last evaluated: 2023-12-11. Review status: criteria provided, single submitter. Criteria: Invitae Variant Classification Sherloc (09022015). Collection method: clinical testing. Allele origin: germline.